The following is an entry in ClinVar:

ClinVar aggregate classification (germline): Likely benign (1 of 4 stars; one submission).

Allele frequency attached by ClinVar (database versions not stated): ExAC 0.00021; gnomAD 0.00021; ESP Exome Variant Server 0.00039; TOPMed 0.00012; gnomAD exomes 0.00020.
gnomAD v4.1: 327 of 1,613,472 alleles (0.02%); highest among the groups gnomAD compares: Non-Finnish European, 0.026%; no homozygotes.

Submission:

CeGaT Center for Human Genetics Tuebingen
Classification: Likely benign. Last evaluated: 2023-03-01. Review status: criteria provided, single submitter. Criteria: CeGaT Center For Human Genetics Tuebingen Variant Classification Criteria Version 2. Collection method: clinical testing. Allele origin: germline. Affected: yes. Observed: 1 variant allele.
Comment: MICAL3: BP4, BP7

NM_015241.3(MICAL3):c.2058A>G (p.Gln686=)

Gene: MICAL3 (microtubule associated monooxygenase, calponin and LIM domain containing 3; minus strand). Cytogenetic location: 22q11.21.
Variant type: single nucleotide variant.
Coding change: c.2058A>G on transcript NM_015241.3 (MANE Select); coding-DNA position 2058, A replaced by G.
Protein change: p.Gln686=; no amino-acid change (glutamine 686 retained).
Molecular consequence: synonymous variant.
Genome position (GRCh38, 1-based): chr22:17,887,179, T>C on the plus strand (A>G on the coding strand, the complement: MICAL3 is on the minus strand). VCF-style: chr22-17887179-T-C. GRCh37 (hg19) VCF-style: chr22-18369945-T-C.
Other names: c.2058A>G, p.Gln686= (NM_001122731.2, NM_001136004.3).
Identifiers: ClinVar variation 2652847 (VCV002652847.24), dbSNP rs375324053, ClinGen allele CA10092581.